The following is an entry in ClinVar:

NM_030787.4(CFHR5):c.576T>G (p.Phe192Leu)

Gene: CFHR5 (complement factor H related 5; plus strand). Cytogenetic location: 1q31.3.
Variant type: single nucleotide variant.
Coding change: c.576T>G on transcript NM_030787.4 (MANE Select); coding-DNA position 576, T replaced by G.
Protein change: p.Phe192Leu; replaces phenylalanine 192 with leucine.
Molecular consequence: missense variant.
Genome position (GRCh38, 1-based): chr1:196,994,225, T>G. VCF-style: chr1-196994225-T-G. GRCh37 (hg19) VCF-style: chr1-196963355-T-G.
Other names: short protein forms F192L.
Identifiers: ClinVar variation 876520 (VCV000876520.7), dbSNP rs151134004, ClinGen allele CA1307786.

ClinVar aggregate classification (germline): Uncertain significance. Review status: criteria provided, multiple submitters, no conflicts (2 of 4 stars). 2 submissions from 2 submitters: Uncertain significance (2). Last evaluated 2024-07-09.

Conditions:
CFH-Related Dense Deposit Disease / Membranoproliferative Glomerulonephritis Type II. Identifiers: MedGen CN071292.

Allele frequency attached by ClinVar (database versions not stated): ExAC 0.00015; ESP Exome Variant Server 0.00015; TOPMed 0.00015; 1000 Genomes Project 30x 0.00016; gnomAD exomes 0.00016; 1000 Genomes Project 0.00020; gnomAD 0.00023 and 0.00024.
gnomAD v4.1: 266 of 1,613,676 alleles (0.016%); highest among the groups gnomAD compares: Non-Finnish European, 0.02%; no homozygotes.

Submissions (2):

Labcorp Genetics (formerly Invitae), Labcorp
Classification: Uncertain significance. Last evaluated: 2024-07-09. Review status: criteria provided, single submitter. Criteria: Invitae Variant Classification Sherloc (09022015). Collection method: clinical testing. Allele origin: germline.
Comment: This sequence change replaces phenylalanine, which is neutral and non-polar, with leucine, which is neutral and non-polar, at codon 192 of the CFHR5 protein (p.Phe192Leu). This variant is present in population databases (rs151134004, gnomAD 0.05%), and has an allele count higher than expected for a pathogenic variant. This variant has not been reported in the literature in individuals affected with CFHR5-related conditions. ClinVar contains an entry for this variant (Variation ID: 876520). Advanced modeling of protein sequence and biophysical properties (such as structural, functional, and spatial information, amino acid conservation, physicochemical variation, residue mobility, and thermodynamic stability) performed at Invitae indicates that this missense variant is expected to disrupt CFHR5 protein function with a positive predictive value of 80%. In summary, the available evidence is currently insufficient to determine the role of this variant in disease. Therefore, it has been classified as a Variant of Uncertain Significance.

Illumina Laboratory Services, Illumina
Classification: Uncertain significance for Membranoproliferative glomerulonephritis with complement factor h deficiency. Last evaluated: 2017-04-27. Review status: criteria provided, single submitter. Criteria: ICSL Variant Classification Criteria 13 December 2019. Collection method: clinical testing. Allele origin: germline.